The following is an entry in ClinVar:

ClinVar aggregate classification (germline): Uncertain significance (1 of 4 stars; one submission).

Allele frequency attached by ClinVar (database versions not stated): gnomAD 0.00001; TOPMed 0.00001.
gnomAD v4.1: 2 of 1,613,922 alleles (0.00012%); highest among the groups gnomAD compares: Non-Finnish European, 0.00017%; no homozygotes.

Submission:

Ambry Genetics
Classification: Uncertain significance. Last evaluated: 2022-12-24. Review status: criteria provided, single submitter. Criteria: Ambry Variant Classification Scheme 2023. Collection method: clinical testing. Allele origin: germline.
Comment: The p.K452E variant (also known as c.1354A>G), located in coding exon 13 of the PRKDC gene, results from an A to G substitution at nucleotide position 1354. The lysine at codon 452 is replaced by glutamic acid, an amino acid with similar properties. This amino acid position is conserved. In addition, this alteration is predicted to be tolerated by in silico analysis. Since supporting evidence is limited at this time, the clinical significance of this alteration remains unclear.

NM_006904.7(PRKDC):c.1354A>G (p.Lys452Glu)

Gene: PRKDC (protein kinase, DNA-activated, catalytic subunit; minus strand). Cytogenetic location: 8q11.21.
Variant type: single nucleotide variant.
Coding change: c.1354A>G on transcript NM_006904.7 (MANE Select); coding-DNA position 1354, A replaced by G.
Protein change: p.Lys452Glu; replaces lysine 452 with glutamic acid.
Molecular consequence: missense variant.
Genome position (GRCh38, 1-based): chr8:47,935,825, T>C on the plus strand (A>G on the coding strand, the complement: PRKDC is on the minus strand). VCF-style: chr8-47935825-T-C. GRCh37 (hg19) VCF-style: chr8-48848385-T-C.
Other names: c.1354A>G, p.Lys452Glu (NM_001081640.2); short protein forms K452E.
Identifiers: ClinVar variation 2497374 (VCV002497374.2), dbSNP rs1193369883, ClinGen allele CA371165856.